The following is an entry in ClinVar:

ClinVar aggregate classification (germline): Likely pathogenic. Review status: criteria provided, multiple submitters, no conflicts (2 of 4 stars). 2 submissions from 2 submitters: Likely pathogenic (2). Last evaluated 2025-11-03.

Conditions:
Hypertrophic cardiomyopathy 9. Also called: Familial hypertrophic cardiomyopathy 9. Identifiers: MedGen C1861065, MONDO:0013412, OMIM 613765.
Dilated cardiomyopathy 1G (CMD1G). Identifiers: Orphanet 154, MedGen C1858763, MONDO:0011400, OMIM 604145.

Submissions (2):

Human Genetics Bochum, Ruhr University Bochum
Classification: Likely pathogenic for Dilated cardiomyopathy 1G; Hypertrophic cardiomyopathy 9. Last evaluated: 2025-11-03. Review status: criteria provided, single submitter. Criteria: ACMG Guidelines, 2015. Collection method: clinical testing. Allele origin: germline. Affected: yes.
Comment: ACMG criteria used to clasify this variant: PVS1, PM2_SUP

CeGaT Center for Human Genetics Tuebingen
Classification: Likely pathogenic. Last evaluated: 2025-10-01. Review status: criteria provided, single submitter. Criteria: CeGaT Center For Human Genetics Tuebingen Variant Classification Criteria Version 2. Collection method: clinical testing. Allele origin: germline. Affected: yes. Observed: 1 variant allele.
Comment: TTN: PVS1:Strong, PM2

NM_001267550.2(TTN):c.63964A>T (p.Lys21322Ter)

Genes: TTN (titin; minus strand), TTN-AS1 (TTN antisense RNA 1; plus strand). Cytogenetic location: 2q31.2.
Variant type: single nucleotide variant.
Coding change: c.63964A>T on transcript NM_001267550.2 (MANE Select); coding-DNA position 63964, A replaced by T.
Protein change: p.Lys21322Ter; replaces lysine 21322 with a stop codon.
Molecular consequence: nonsense.
Genome position (GRCh38, 1-based): chr2:178,587,247, T>A on the plus strand (A>T on the coding strand, the complement: TTN is on the minus strand). VCF-style: chr2-178587247-T-A. GRCh37 (hg19) VCF-style: chr2-179451974-T-A.
Other names: c.59041A>T, p.Lys19681Ter (NM_001256850.1); c.36769A>T, p.Lys12257Ter (NM_003319.4); c.56260A>T, p.Lys18754Ter (NM_133378.4); c.37144A>T, p.Lys12382Ter (NM_133432.3); c.37345A>T, p.Lys12449Ter (NM_133437.4); short protein forms K12257*, K12382*, K12449*, K18754*, K19681*, K21322*.
Identifiers: ClinVar variation 4534991 (VCV004534991.7).